The following is an entry in ClinVar:

NM_000264.5(PTCH1):c.3314dup (p.Thr1106fs)

Gene: PTCH1 (patched 1; minus strand). Cytogenetic location: 9q22.32.
Variant type: Duplication.
Coding change: c.3314dup on transcript NM_000264.5 (MANE Select); coding-DNA position 3314, one base duplicated (T; older notation c.3314dupT).
Protein change: p.Thr1106fs; shifts the reading frame from threonine 1106.
Molecular consequence: frameshift variant. On other transcripts: non-coding transcript variant (1).
Genome position (GRCh38, 1-based): chr9:95,453,613, A duplicated on the plus strand (T on the coding strand, the reverse complement: PTCH1 is on the minus strand). VCF-style (leftmost placement, unchanged base first): chr9-95453612-C-CA. GRCh37 (hg19) VCF-style: chr9-98215894-C-CA.
Other names: c.3314dupT (NM_000264.3); c.3116dup, p.Thr1040fs (NM_001083602.3); c.3311dup, p.Thr1105fs (NM_001083603.3); c.2861dup, p.Thr955fs (NM_001083604.3, NM_001083605.3, NM_001083606.3 and 1 more transcripts); c.3158dup, p.Thr1054fs (NM_001354918.2); short protein forms T955fs, T1054fs, T1106fs, T1040fs, T1105fs.
Identifiers: ClinVar variation 545867 (VCV000545867.2), dbSNP rs1554690484, ClinGen allele CA658821550.
Genomic context (GRCh38, chr9:95,453,612, plus strand): 5'-GGGTGCAAACATGTGCTCCAGGGCAAGCACAGCCCTGCGGTTCTTGTCGCCGATGGCCGT[C>CA]AGAAAGGCCTGTGCAATGAGGATGTTCACAAGATCAGGTTGCTGGACTTCACCTGGTAAA-3'

ClinVar aggregate classification (germline): Pathogenic (1 of 4 stars; one submission).

Submission:

GeneDx
Classification: Pathogenic. Last evaluated: 2018-01-26. Review status: criteria provided, single submitter. Criteria: GeneDx Variant Classification (06012015). Collection method: clinical testing. Allele origin: germline. Affected: yes.
Comment: This duplication of one nucleotide in PTCH1 is denoted c.3314dupT at the cDNA level and p.Thr1106AspfsX39 (T1106DfsX39) at the protein level. The normal sequence, with the base that is duplicated in brackets, is TTTC[dupT]GACG. The duplication causes a frameshift which changes a Threonine to an Aspartic Acid at codon 1106, and creates a premature stop codon at position 39 of the new reading frame. Although this variant has not, to our knowledge, been reported in the literature, it is predicted to cause loss of normal protein function through either protein truncation or nonsense-mediated mRNA decay. We consider this variant to be pathogenic.